The following is an entry in ClinVar:

ClinVar aggregate classification (germline): Pathogenic/Likely pathogenic. Review status: criteria provided, multiple submitters, no conflicts (2 of 4 stars). 6 submissions from 6 submitters: Pathogenic (2); Likely pathogenic (3). 1 of the submissions does not count toward it. Last evaluated 2026-09-03.

Conditions:
Inborn genetic diseases. Identifiers: MedGen C0950123, MeSH D030342.
Deficiency of aromatic-L-amino-acid decarboxylase. Also called: AADC DEFICIENCY; DDC DEFICIENCY; DOPA DECARBOXYLASE DEFICIENCY; Aromatic L-Amino Acid Decarboxylase Deficiency; Aromatic amino acid decarboxylase deficiency. Identifiers: Orphanet 35708, MedGen C1291564, MONDO:0012084, OMIM 608643.

Allele frequency attached by ClinVar (database versions not stated): ExAC 0.00003; gnomAD 0.00004; gnomAD exomes 0.00004; TOPMed 0.00004.

Submissions (6):

Ambry Genetics
Classification: Likely pathogenic for Inborn genetic diseases. Last evaluated: 2026-09-03. Review status: criteria provided, single submitter. Criteria: Ambry Variant Classification Scheme 2023. Collection method: clinical testing. Allele origin: germline.
Comment: The c.272C>T (p.A91V) alteration is located in exon 3 (coding exon 2) of the DDC gene. This alteration results from a C to T substitution at nucleotide position 272, causing the alanine (A) at amino acid position 91 to be replaced by a valine (V). Based on data from gnomAD, the T allele has an overall frequency of 0.004% (9/250870) total alleles studied. The highest observed frequency was 0.009% (2/21494) of European (Finnish) alleles. This variant has been identified in the homozygous state and/or in conjunction with other DDC variant(s) in individual(s) with features consistent with aromatic L-amino acid decarboxylase deficiency (Gantz, 2023; Montioli, 2019; Wassenberg, 2010; Tay, 2007). This amino acid position is well conserved in available vertebrate species. The in silico prediction for this alteration is inconclusive. Based on the available evidence, this alteration is classified as likely pathogenic.

Labcorp Genetics (formerly Invitae), Labcorp
Classification: Pathogenic for Deficiency of aromatic-L-amino-acid decarboxylase. Last evaluated: 2025-06-09. Review status: criteria provided, single submitter. Criteria: Invitae Variant Classification Sherloc (09022015). Collection method: clinical testing. Allele origin: germline.
Comment: This sequence change replaces alanine, which is neutral and non-polar, with valine, which is neutral and non-polar, at codon 91 of the DDC protein (p.Ala91Val). This variant is present in population databases (rs137853211, gnomAD 0.009%). This missense change has been observed in individual(s) with aromatic L-amino acid decarboxylase deficiency (PMID: 9789536, 30952622, 31104889; internal data). ClinVar contains an entry for this variant (Variation ID: 17813). Invitae Evidence Modeling of protein sequence and biophysical properties (such as structural, functional, and spatial information, amino acid conservation, physicochemical variation, residue mobility, and thermodynamic stability) has been performed for this missense variant. However, the output from this modeling did not meet the statistical confidence thresholds required to predict the impact of this variant on DDC protein function. Experimental studies have shown that this missense change affects DDC function (PMID: 31104889). For these reasons, this variant has been classified as Pathogenic.

Women's Health and Genetics/Laboratory Corporation of America, LabCorp
Classification: Pathogenic for Deficiency of aromatic-L-amino-acid decarboxylase. Last evaluated: 2024-12-26. Review status: criteria provided, single submitter. Criteria: LabCorp Variant Classification Summary - May 2015. Collection method: clinical testing. Allele origin: germline.
Comment: Variant summary: DDC c.272C>T (p.Ala91Val) results in a non-conservative amino acid change located in the DOPA_deC_like domain of the encoded protein sequence. Five of five in-silico tools predict a damaging effect of the variant on protein function. The variant allele was found at a frequency of 3.6e-05 in 250870 control chromosomes. c.272C>T has been reported in the literature in individuals affected with Deficiency Of Aromatic-L-Amino-Acid Decarboxylase. These data indicate that the variant is likely to be associated with disease. At least one publication reports experimental evidence evaluating an impact on protein function. The most pronounced variant effect results in <10% of normal activity (Montioli_2019). The following publications have been ascertained in the context of this evaluation (PMID: 17533144, 30952622, 31104889, internal data). ClinVar contains an entry for this variant (Variation ID: 17813). Based on the evidence outlined above, the variant was classified as pathogenic.

Revvity Omics, Revvity
Classification: Likely pathogenic for Deficiency of aromatic-L-amino-acid decarboxylase. Last evaluated: 2024-02-02. Review status: criteria provided, single submitter. Criteria: ACMG Guidelines, 2015. Collection method: clinical testing. Allele origin: germline.

GeneDx
Classification: Likely pathogenic. Last evaluated: 2023-06-01. Review status: criteria provided, single submitter. Criteria: GeneDx Variant Classification Process June 2021. Collection method: clinical testing. Allele origin: germline. Affected: yes.
Comment: Published functional studies demonstrate that the variant affects enzyme activity in vitro (Montioli et al., 2019); Not observed at significant frequency in large population cohorts (gnomAD); In silico analysis supports that this missense variant has a deleterious effect on protein structure/function; Reported previously with one or more other variants in DDC in individuals with aromatic L-amino acid decarboxylase (AADC) deficiency (Wassenberg et al., 2010; Montiolo et al., 2019; Gantz et al., 2023); This variant is associated with the following publications: (PMID: 9789536, 36232540, 36427457, 30952622, Gantz2023 [CaseReport], 36096017, 33808712, 31104889, 20832343)

OMIM
Classification: Pathogenic for AROMATIC L-AMINO ACID DECARBOXYLASE DEFICIENCY. Last evaluated: 2022-08-11. Review status: no assertion criteria provided. Collection method: literature only. Allele origin: germline. Not counted in ClinVar's aggregate classification.

Literature cited by the submitters: PubMed 17533144 (cited by Ambry Genetics and Women's Health and Genetics/Laboratory Corporation of America, LabCorp); PubMed 20832343 (cited by Ambry Genetics); PubMed 31104889 (cited by 4 submitters); PubMed 9789536 (cited by Labcorp Genetics (formerly Invitae), Labcorp); PubMed 30952622 (cited by Labcorp Genetics (formerly Invitae), Labcorp and Women's Health and Genetics/Laboratory Corporation of America, LabCorp); Chang, Y. T., Mues, G., McPherson, J. D., Bedell, J., Marsh, J. L., Hyland, K., Courtwright, K. H., Summers, J. W. Mutations in the human aromatic L-amino acid decarboxylase gene. (Abstract) J. Inherit. Metab. Dis. 21: 4-only, 1998. (cited by OMIM).

NM_001082971.2(DDC):c.272C>T (p.Ala91Val)

Genes: DDC (dopa decarboxylase; minus strand), DDC-AS1 (DDC antisense RNA 1; plus strand). Cytogenetic location: 7p12.1.
Variant type: single nucleotide variant.
Coding change: c.272C>T on transcript NM_001082971.2 (MANE Select); coding-DNA position 272, C replaced by T.
Protein change: p.Ala91Val; replaces alanine 91 with valine.
Molecular consequence: missense variant. On other transcripts: non-coding transcript variant (1), intron variant (2).
Genome position (GRCh38, 1-based): chr7:50,539,958, G>A on the plus strand (C>T on the coding strand, the complement: DDC is on the minus strand). VCF-style: chr7-50539958-G-A. GRCh37 (hg19) VCF-style: chr7-50607656-G-A.
Other names: c.272C>T, p.Ala91Val (NM_000790.4, NM_001242887.2, NM_001242889.2 and 1 more transcripts); c.201+3927C>T (NM_001242888.2); c.202-1979C>T (NM_001242886.2); c.272C>T (NM_000790.3); short protein forms A91V.
Identifiers: ClinVar variation 17813 (VCV000017813.17), dbSNP rs137853211, ClinGen allele CA127450.